The following is an entry in ClinVar:

ClinVar aggregate classification (germline): Likely benign (1 of 4 stars; one submission).

Conditions:
CFAP298-related disorder. Also called: CFAP298-related condition.

gnomAD v4.1: 15 of 1,559,680 alleles (0.00096%); highest among the groups gnomAD compares: South Asian, 0.012%; 1 homozygote.

Submission:

PreventionGenetics, part of Exact Sciences
Classification: Likely benign for CFAP298-related condition. Last evaluated: 2025-12-16. Review status: criteria provided, single submitter. Criteria: ACMG Guidelines, 2015. Collection method: clinical testing. Allele origin: germline.
Comment: This variant is classified as likely benign based on ACMG/AMP sequence variant interpretation guidelines (Richards et al. 2015 PMID: 25741868, with internal and published modifications).

NM_021254.4(CFAP298):c.766T>C (p.Leu256=)

Genes: CFAP298 (cilia and flagella associated protein 298; minus strand), CFAP298-TCP10L (CFAP298-TCP10L readthrough; minus strand). Cytogenetic location: 21q22.11.
Variant type: single nucleotide variant.
Coding change: c.766T>C on transcript NM_021254.4 (MANE Select); coding-DNA position 766, T replaced by C.
Protein change: p.Leu256=; no amino-acid change (leucine 256 retained).
Molecular consequence: synonymous variant. On other transcripts: 3 prime UTR variant (2), intron variant (1).
Genome position (GRCh38, 1-based): chr21:32,601,970, A>G on the plus strand (T>C on the coding strand, the complement: CFAP298 is on the minus strand). VCF-style: chr21-32601970-A-G. GRCh37 (hg19) VCF-style: chr21-33974280-A-G.
Other names: c.469T>C, p.Leu157= (NM_001350334.2); c.*1119T>C (NM_001350335.2); c.670T>C, p.Leu224= (NM_001350336.2); c.*254T>C (NM_001350337.2); c.666+1191T>C (NM_001350338.2).
Identifiers: ClinVar variation 4981590 (VCV004981590.1).
Genomic context (GRCh38, chr21:32,601,970, plus strand): 5'-TCAAAGCAGTGTTATCCGCCCATGGTGAGTTTAAATAGGCATCATCATCATTTTCTTCCA[A>G]TCTCTGGAAATAAGTATGTTTTATTCAGGCAGGCATTTCAGGAAAGTGTTTTGCACATAA-3'
Protein context (NP_067077.1, residues 246-266): YHRRQEELKR[Leu256=]EENDDDAYLN